The following is an entry in ClinVar:

ClinVar aggregate classification (germline): Uncertain significance (1 of 4 stars; one submission).

Submission:

Women's Health and Genetics/Laboratory Corporation of America, LabCorp
Classification: Uncertain significance. Last evaluated: 2025-06-13. Review status: criteria provided, single submitter. Criteria: LabCorp Variant Classification Summary - May 2015. Collection method: clinical testing. Allele origin: germline.
Comment: Variant summary: TECTA c.5948C>T (p.Thr1983Ile) results in a non-conservative amino acid change in the encoded protein sequence. Algorithms developed to predict the effect of missense changes on protein structure and function all suggest that this variant is likely to be disruptive. The variant was absent in 251352 control chromosomes. The available data on variant occurrences in the general population are insufficient to allow any conclusion about variant significance. c.5948C>T has been observed in an individuals affected with Deafness, Autosomal Recessive 21 (Yasukawa_2019). These report(s) do not provide unequivocal conclusions about association of the variant with Deafness, Autosomal Recessive 21. To our knowledge, no experimental evidence demonstrating an impact on protein function has been reported. The following publication have been ascertained in the context of this evaluation (PMID: 31554319). No submitters have cited clinical-significance assessments for this variant to ClinVar. Based on the evidence outlined above, the variant was classified as uncertain significance.

Literature cited by the submitters: PubMed 31554319.

NM_005422.4(TECTA):c.5948C>T (p.Thr1983Ile)

Genes: TBCEL-TECTA (TBCEL-TECTA readthrough; plus strand), TECTA (tectorin alpha; plus strand). Cytogenetic location: 11q23.3.
Variant type: single nucleotide variant.
Coding change: c.5948C>T on transcript NM_005422.4 (MANE Select); coding-DNA position 5948, C replaced by T.
Protein change: p.Thr1983Ile; replaces threonine 1983 with isoleucine.
Molecular consequence: missense variant.
Genome position (GRCh38, 1-based): chr11:121,168,874, C>T. VCF-style: chr11-121168874-C-T. GRCh37 (hg19) VCF-style: chr11-121039583-C-T.
Other names: c.6890C>T, p.Thr2297Ile (NM_001378761.1); short protein forms T1983I, T2297I.
Identifiers: ClinVar variation 3907122 (VCV003907122.1).